The following is an entry in ClinVar:

NM_030928.4(CDT1):c.1387A>G (p.Ser463Gly)

Gene: CDT1 (chromatin licensing and DNA replication factor 1; plus strand). Cytogenetic location: 16q24.3.
Variant type: single nucleotide variant.
Coding change: c.1387A>G on transcript NM_030928.4 (MANE Select); coding-DNA position 1387, A replaced by G.
Protein change: p.Ser463Gly; replaces serine 463 with glycine.
Molecular consequence: missense variant.
Genome position (GRCh38, 1-based): chr16:88,807,392, A>G. VCF-style: chr16-88807392-A-G. GRCh37 (hg19) VCF-style: chr16-88873800-A-G.
Other names: c.1387A>G (NM_030928.3); short protein forms S463G.
Identifiers: ClinVar variation 1366883 (VCV001366883.7), dbSNP rs748552177, ClinGen allele CA8234145.

ClinVar aggregate classification (germline): Conflicting classifications of pathogenicity. Review status: criteria provided, conflicting classifications (1 of 4 stars). 2 submissions from 2 submitters: Uncertain significance (1); Likely benign (1). Last evaluated 2025-12-09.

Conditions:
Inborn genetic diseases. Identifiers: MedGen C0950123, MeSH D030342.

Allele frequency attached by ClinVar (database versions not stated): gnomAD 0.00001; TOPMed 0.00002; gnomAD exomes 0.00006 and 0.00001; ExAC 0.00006.
gnomAD v4.1: 17 of 1,612,642 alleles (0.0011%); highest among the groups gnomAD compares: Admixed American, 0.028%; no homozygotes.

Submissions (2):

Ambry Genetics
Classification: Likely benign for Inborn genetic diseases. Last evaluated: 2025-12-09. Review status: criteria provided, single submitter. Criteria: Ambry Variant Classification Scheme 2023. Collection method: clinical testing. Allele origin: germline.

Labcorp Genetics (formerly Invitae), Labcorp
Classification: Uncertain significance. Last evaluated: 2022-08-22. Review status: criteria provided, single submitter. Criteria: Invitae Variant Classification Sherloc (09022015). Collection method: clinical testing. Allele origin: germline.
Comment: This sequence change replaces serine, which is neutral and polar, with glycine, which is neutral and non-polar, at codon 463 of the CDT1 protein (p.Ser463Gly). This variant is present in population databases (rs748552177, gnomAD 0.05%). This variant has not been reported in the literature in individuals affected with CDT1-related conditions. ClinVar contains an entry for this variant (Variation ID: 1366883). Algorithms developed to predict the effect of missense changes on protein structure and function output the following: SIFT: "Tolerated"; PolyPhen-2: "Benign"; Align-GVGD: "Class C0". The glycine amino acid residue is found in multiple mammalian species, which suggests that this missense change does not adversely affect protein function. In summary, the available evidence is currently insufficient to determine the role of this variant in disease. Therefore, it has been classified as a Variant of Uncertain Significance.